The following is an entry in ClinVar:

ClinVar aggregate classification (germline): Likely benign. Review status: criteria provided, multiple submitters, no conflicts (2 of 4 stars). 2 submissions from 2 submitters: Likely benign (2). Last evaluated 2025-08-18.

Conditions:
Cardiomyopathy (CMYO). Also called: Cardiomyopathies. Identifiers: Orphanet 167848, MedGen C0878544, MONDO:0004994, HP:0001638. Inheritance: Various modes of inheritance.
Cardiomyopathy, familial restrictive, 3. Identifiers: Orphanet 75249, MedGen C2676271, MONDO:0012900, OMIM 612422.
Hypertrophic cardiomyopathy 2. Also called: TNNT2-Related Familial Hypertrophic Cardiomyopathy. Identifiers: MedGen C1861864, MONDO:0007266, OMIM 115195.
Dilated cardiomyopathy 1D. Identifiers: Orphanet 154, Orphanet 54260, MedGen C1832243, MONDO:0011095, OMIM 601494.

Submissions (2):

Labcorp Genetics (formerly Invitae), Labcorp
Classification: Likely benign for Cardiomyopathy, familial restrictive, 3; Hypertrophic cardiomyopathy 2; Dilated cardiomyopathy 1D. Last evaluated: 2025-08-18. Review status: criteria provided, single submitter. Criteria: Invitae Variant Classification Sherloc (09022015). Collection method: clinical testing. Allele origin: germline.

All of Us Research Program, National Institutes of Health
Classification: Likely benign for Cardiomyopathy. Last evaluated: 2023-04-03. Review status: criteria provided, single submitter. Criteria: ACMG Guidelines, 2015. Collection method: clinical testing. Allele origin: germline. Inheritance: Autosomal dominant inheritance. Observed: 1 variant allele, 1 heterozygote.
Comment: This study involves interpretation of variants in research participants for the purpose of population health screening. Participant phenotype was not available at the time of variant classification. Additional details can be found in publication PMID: 35346344, PMCID: PMC8962531

NM_001276345.2(TNNT2):c.720-10G>C

Gene: TNNT2 (troponin T2, cardiac type; minus strand). Cytogenetic location: 1q32.1.
Variant type: single nucleotide variant.
Coding change: c.720-10G>C on transcript NM_001276345.2 (MANE Select); 10 bases into the intron before coding-DNA position 720, G replaced by C.
Molecular consequence: intron variant.
Genome position (GRCh38, 1-based): chr1:201,361,379, C>G on the plus strand (G>C on the coding strand, the complement: TNNT2 is on the minus strand). VCF-style: chr1-201361379-C-G. GRCh37 (hg19) VCF-style: chr1-201330507-C-G.
Other names: c.681-10G>C (NM_001406727.1, NM_001001431.3, NM_001406726.1); c.690-10G>C (NM_001406724.1, NM_001001430.3, NM_001276347.2); c.672-10G>C (NM_001001432.3); c.675-10G>C (NM_001406728.1); c.687-10G>C (NM_001406725.1); c.591-10G>C (NM_001276346.2); c.711-10G>C (NM_000364.4, NM_001406723.1).
Identifiers: ClinVar variation 3070111 (VCV003070111.2), dbSNP rs2102229886, ClinGen allele CA2825000858.